The following is an entry in ClinVar:

ClinVar aggregate classification (germline): Uncertain significance (1 of 4 stars; one submission).

Conditions:
Benign neonatal seizures. Also called: Benign neonatal familial convulsions; Benign familial neonatal epilepsy; Convulsions benign familial neonatal dominant form; Autosomal dominant form of benign neonatal seizures; Benign familial neonatal seizures. Identifiers: Orphanet 1949, MedGen C0220669, MONDO:0016027.

gnomAD v4.1: 1 of 1,613,498 alleles (0.000062%); highest among the groups gnomAD compares: Non-Finnish European, 0.000085%; no homozygotes.

Submission:

Labcorp Genetics (formerly Invitae), Labcorp
Classification: Uncertain significance for Benign neonatal seizures. Last evaluated: 2020-11-04. Review status: criteria provided, single submitter. Criteria: Invitae Variant Classification Sherloc (09022015). Collection method: clinical testing. Allele origin: germline.
Comment: In summary, the available evidence is currently insufficient to determine the role of this variant in disease. Therefore, it has been classified as a Variant of Uncertain Significance. Algorithms developed to predict the effect of missense changes on protein structure and function are either unavailable or do not agree on the potential impact of this missense change (SIFT: "Tolerated"; PolyPhen-2: "Probably Damaging"; Align-GVGD: "Class C0"). This variant has not been reported in the literature in individuals with KCNQ3-related conditions. This variant is not present in population databases (ExAC no frequency). This sequence change replaces glycine with glutamic acid at codon 135 of the KCNQ3 protein (p.Gly135Glu). The glycine residue is highly conserved and there is a moderate physicochemical difference between glycine and glutamic acid.

NM_004519.4(KCNQ3):c.404G>A (p.Gly135Glu)

Gene: KCNQ3 (potassium voltage-gated channel subfamily Q member 3; minus strand). Cytogenetic location: 8q24.22.
Variant type: single nucleotide variant.
Coding change: c.404G>A on transcript NM_004519.4 (MANE Select); coding-DNA position 404, G replaced by A.
Protein change: p.Gly135Glu; replaces glycine 135 with glutamic acid.
Molecular consequence: missense variant.
Genome position (GRCh38, 1-based): chr8:132,186,164, C>T on the plus strand (G>A on the coding strand, the complement: KCNQ3 is on the minus strand). VCF-style: chr8-132186164-C-T. GRCh37 (hg19) VCF-style: chr8-133198411-C-T.
Other names: c.44G>A, p.Gly15Glu (NM_001204824.2); short protein forms G135E, G15E.
Identifiers: ClinVar variation 1062958 (VCV001062958.9), dbSNP rs1826949634, ClinGen allele CA372291477.